The following is an entry in ClinVar:

NM_153704.6(TMEM67):c.2685T>A (p.Phe895Leu)

Gene: TMEM67 (transmembrane protein 67; plus strand). Cytogenetic location: 8q22.1.
Variant type: single nucleotide variant.
Coding change: c.2685T>A on transcript NM_153704.6 (MANE Select); coding-DNA position 2685, T replaced by A.
Protein change: p.Phe895Leu; replaces phenylalanine 895 with leucine.
Molecular consequence: missense variant. On other transcripts: non-coding transcript variant (1).
Genome position (GRCh38, 1-based): chr8:93,809,808, T>A. VCF-style: chr8-93809808-T-A. GRCh37 (hg19) VCF-style: chr8-94822036-T-A.
Other names: c.2442T>A, p.Phe814Leu (NM_001142301.1); short protein forms F814L, F895L.
Identifiers: ClinVar variation 940187 (VCV000940187.10), dbSNP rs1808622944, ClinGen allele CA371699507.

ClinVar aggregate classification (germline): Uncertain significance (1 of 4 stars; one submission).

Conditions:
Meckel-Gruber syndrome. Also called: Dysencephalia splachnocystica; DYSENCEPHALIA SPLANCHNOCYSTICA; GRUBER SYNDROME. Identifiers: Orphanet 564, MedGen C0265215, MONDO:0018921.
Joubert syndrome. Also called: Familial aplasia of the vermis; CEREBELLOPARENCHYMAL DISORDER IV; JOUBERT-BOLTSHAUSER SYNDROME. Identifiers: Orphanet 475, MedGen C5979921, MONDO:0018772.

Allele frequency attached by ClinVar (database versions not stated): TOPMed below 0.00001.

Submission:

Labcorp Genetics (formerly Invitae), Labcorp
Classification: Uncertain significance for Joubert syndrome; Meckel-Gruber syndrome. Last evaluated: 2019-10-18. Review status: criteria provided, single submitter. Criteria: Invitae Variant Classification Sherloc (09022015). Collection method: clinical testing. Allele origin: germline.
Comment: This variant is not present in population databases (ExAC no frequency). In summary, the available evidence is currently insufficient to determine the role of this variant in disease. Therefore, it has been classified as a Variant of Uncertain Significance. Algorithms developed to predict the effect of missense changes on protein structure and function (SIFT, PolyPhen-2, Align-GVGD) all suggest that this variant is likely to be tolerated, but these predictions have not been confirmed by published functional studies and their clinical significance is uncertain. This variant has not been reported in the literature in individuals with TMEM67-related conditions. This sequence change replaces phenylalanine with leucine at codon 895 of the TMEM67 protein (p.Phe895Leu). The phenylalanine residue is weakly conserved and there is a small physicochemical difference between phenylalanine and leucine.